The following is an entry in ClinVar:

ClinVar aggregate classification (germline): Uncertain significance. Review status: criteria provided, multiple submitters, no conflicts (2 of 4 stars). 2 submissions from 2 submitters: Uncertain significance (2). Last evaluated 2023-06-12.

Allele frequency attached by ClinVar (database versions not stated): gnomAD 0.00001; gnomAD exomes 0.00001.
gnomAD v4.1: 10 of 1,614,072 alleles (0.00062%); highest among the groups gnomAD compares: Non-Finnish European, 0.00076%; no homozygotes.

Submissions (2):

GeneDx
Classification: Uncertain significance. Last evaluated: 2023-06-12. Review status: criteria provided, single submitter. Criteria: GeneDx Variant Classification Process June 2021. Collection method: clinical testing. Allele origin: germline. Affected: yes.
Comment: Not observed at significant frequency in large population cohorts (gnomAD); In silico analysis supports that this missense variant does not alter protein structure/function; Has not been previously published as pathogenic or benign to our knowledge

Ambry Genetics
Classification: Uncertain significance. Last evaluated: 2022-12-04. Review status: criteria provided, single submitter. Criteria: Ambry Variant Classification Scheme 2023. Collection method: clinical testing. Allele origin: germline.
Comment: The p.L432V variant (also known as c.1294C>G), located in coding exon 4 of the TMPO gene, results from a C to G substitution at nucleotide position 1294. The leucine at codon 432 is replaced by valine, an amino acid with highly similar properties. This amino acid position is conserved. In addition, this alteration is predicted to be tolerated by in silico analysis. Since supporting evidence is limited at this time, the clinical significance of this alteration remains unclear.

NM_001032283.3(TMPO):c.565+1713C>G

Gene: TMPO (thymopoietin; plus strand). Cytogenetic location: 12q23.1.
Variant type: single nucleotide variant.
Coding change: c.565+1713C>G on transcript NM_001032283.3 (MANE Select); 1713 bases into the intron after coding-DNA position 565, C replaced by G.
Molecular consequence: intron variant. On other transcripts: missense variant (1).
Genome position (GRCh38, 1-based): chr12:98,533,551, C>G. VCF-style: chr12-98533551-C-G. GRCh37 (hg19) VCF-style: chr12-98927329-C-G.
Other names: c.1294C>G, p.Leu432Val (NM_003276.2); c.565+1713C>G (NM_001307975.2, NM_001032284.3); short protein forms L432V.
Identifiers: ClinVar variation 2447964 (VCV002447964.3), dbSNP rs1041127598, ClinGen allele CA242224839.